The following is an entry in ClinVar:

NM_000077.5(CDKN2A):c.319C>A (p.Arg107Ser)

Gene: CDKN2A (cyclin dependent kinase inhibitor 2A; minus strand). Cytogenetic location: 9p21.3.
Variant type: single nucleotide variant.
Coding change: c.319C>A on transcript NM_000077.5; coding-DNA position 319, C replaced by A.
Protein change: p.Arg107Ser; replaces arginine 107 with serine.
Molecular consequence: missense variant (on NM_000077.6). On other transcripts: 3 prime UTR variant (1).
Genome position (GRCh38, 1-based): chr9:21,971,040, G>T on the plus strand (C>A on the coding strand, the complement: CDKN2A is on the minus strand). VCF-style: chr9-21971040-G-T. GRCh37 (hg19) VCF-style: chr9-21971039-G-T.
Other names: c.319C>A, p.Arg107Ser (NM_000077.6, NM_001195132.2); c.166C>A, p.Arg56Ser (NM_001363763.2); c.362C>A, p.Ala121Glu (NM_058195.4); c.*242C>A (NM_058197.5); short protein forms A121E, R107S, R56S.
Identifiers: ClinVar variation 463498 (VCV000463498.12), dbSNP rs1554654024, ClinGen allele CA373086069.

ClinVar aggregate classification (germline): Uncertain significance. Review status: criteria provided, multiple submitters, no conflicts (2 of 4 stars). 3 submissions from 3 submitters: Uncertain significance (3). Last evaluated 2025-11-18.

Conditions:
Familial melanoma. Also called: Hereditary melanoma; Hereditary cutaneous melanoma. Identifiers: Orphanet 618, MedGen C1512419, MONDO:0018961.
Hereditary cancer-predisposing syndrome. Also called: Hereditary neoplastic syndrome; Neoplastic Syndromes, Hereditary; Hereditary Cancer Syndrome; Tumor predisposition. Identifiers: Orphanet 140162, MedGen C0027672, MeSH D009386, MONDO:0015356.

gnomAD v4.1: 1 of 1,605,726 alleles (0.000062%); highest among the groups gnomAD compares: Non-Finnish European, 0.000085%; no homozygotes.

Submissions (3):

Labcorp Genetics (formerly Invitae), Labcorp
Classification: Uncertain significance for Familial melanoma. Last evaluated: 2025-11-18. Review status: criteria provided, single submitter. Criteria: Invitae Variant Classification Sherloc (09022015). Collection method: clinical testing. Allele origin: germline.
Comment: The CDKN2A gene encodes two different proteins, p16INK4a and p14ARF, which are translated from alternative transcripts with different open reading frames. Both transcripts have been analyzed. We report either the variant with the higher classification or default to the CDKN2A (p16INK4a) variant. This report therefore includes the details for the CDKN2A (p16INK4a) variant. This sequence change replaces arginine, which is basic and polar, with serine, which is neutral and polar, at codon 107 of the CDKN2A (p16INK4a) protein (p.Arg107Ser). This variant is not present in population databases (gnomAD no frequency). This variant has not been reported in the literature in individuals affected with CDKN2A (p16INK4a)-related conditions. This variant is also known as c.362C>A (p.Ala121Glu) in the CDKN2A (p14ARF) transcript. ClinVar contains an entry for this variant (Variation ID: 463498). An algorithm developed to predict the effect of missense changes on protein structure and function (PolyPhen-2) suggests that this variant is likely to be tolerated. In summary, the available evidence is currently insufficient to determine the role of this variant in disease. Therefore, it has been classified as a Variant of Uncertain Significance.

Ambry Genetics
Classification: Uncertain significance for Hereditary cancer-predisposing syndrome. Last evaluated: 2025-03-31. Review status: criteria provided, single submitter. Criteria: Ambry Variant Classification Scheme 2023. Collection method: clinical testing. Allele origin: germline.
Comment: The p.R107S variant (also known as c.319C>A), located in coding exon 2 of the CDKN2A gene, results from a C to A substitution at nucleotide position 319. The arginine at codon 107 is replaced by serine, an amino acid with dissimilar properties. Of note, this alteration is also known as c.362C>A (p.A121E)in the p14(ARF) isoform. Based on the available evidence, the clinical significance of this variant remains unclear.

Color Diagnostics, LLC DBA Color Health
Classification: Uncertain significance for Hereditary cancer-predisposing syndrome. Last evaluated: 2020-08-05. Review status: criteria provided, single submitter. Criteria: ACMG Guidelines, 2015. Collection method: clinical testing. Allele origin: germline.
Comment: This missense variant replaces arginine with serine at codon 107 of the CDKN2A (p16INK4A) protein. Computational prediction is inconclusive regarding the impact of this variant on protein structure and function (internally defined REVEL score threshold 0.5 < inconclusive < 0.7, PMID: 27666373). To our knowledge, functional studies have not been reported for this variant. This variant has not been reported in individuals affected with hereditary cancer in the literature. This variant has not been identified in the general population by the Genome Aggregation Database (gnomAD). The available evidence is insufficient to determine the role of this variant in disease conclusively. Therefore, this variant is classified as a Variant of Uncertain Significance.